The following is an entry in ClinVar:

ClinVar aggregate classification (germline): Pathogenic/Likely pathogenic. Review status: criteria provided, multiple submitters, no conflicts (2 of 4 stars). 8 submissions from 8 submitters: Pathogenic (4); Likely pathogenic (4). Last evaluated 2026-06-03.

Conditions:
Deficiency of alpha-mannosidase (MANSA). Also called: Mannosidosis, alpha-, types I and II; Alpha-Mannosidosis; LYSOSOMAL ALPHA-D-MANNOSIDASE DEFICIENCY. Identifiers: Orphanet 61, MedGen C0024748, MONDO:0009561, OMIM 248500.
MAN2B1-related disorder. Also called: MAN2B1-related condition.

Allele frequency attached by ClinVar (database versions not stated): TOPMed 0.00001.

Submissions (8):

PreventionGenetics, part of Exact Sciences
Classification: Likely pathogenic for MAN2B1-related condition. Last evaluated: 2026-06-03. Review status: criteria provided, single submitter. Criteria: ACMG Guidelines, 2015. Collection method: clinical testing. Allele origin: germline.
Comment: The MAN2B1 c.1928G>A variant is predicted to result in premature protein termination (p.Trp643*). This variant was reported in homozygous state in an individual with neurodevelopmental disorder (Table S7, Spataro et al. 2023. PubMed ID: 36980980). Alternative nucleotide change c.1929G>A leading to the same protein termination p.Trp643* was reported along with second variant in an individual with alpha-mannosidosis (Table S1, Riise Stensland et al. 2012. PubMed ID: 22161967). This variant has not been reported in a large population database (gnomAD), indicating this variant is rare. Nonsense variants in MAN2B1 are expected to be pathogenic. This variant is interpreted as likely pathogenic.

Labcorp Genetics (formerly Invitae), Labcorp
Classification: Pathogenic for Deficiency of alpha-mannosidase. Last evaluated: 2025-12-22. Review status: criteria provided, single submitter. Criteria: Invitae Variant Classification Sherloc (09022015). Collection method: clinical testing. Allele origin: germline.
Comment: This sequence change creates a premature translational stop signal (p.Trp643*) in the MAN2B1 gene. It is expected to result in an absent or disrupted protein product. Loss-of-function variants in MAN2B1 are known to be pathogenic (PMID: 9915946, 22161967). This variant is not present in population databases (gnomAD no frequency). This premature translational stop signal has been observed in individual(s) with mannosidosis (PMID: 22161967). ClinVar contains an entry for this variant (Variation ID: 658737). Algorithms developed to predict the effect of sequence changes on RNA splicing suggest that this variant may disrupt the consensus splice site. For these reasons, this variant has been classified as Pathogenic.

Variantyx, Inc.
Classification: Likely pathogenic for Deficiency of alpha-mannosidase. Last evaluated: 2025-10-02. Review status: criteria provided, single submitter. Criteria: Variantyx Assertion Criteria 2022. Collection method: clinical testing. Allele origin: germline. Inheritance: Autosomal recessive inheritance. Affected: yes.
Comment: This is a nonsense variant in the MAN2B1 gene (OMIM: 609458). Pathogenic variants in this gene have been associated with autosomal recessive alpha-mannosidosis, types I and II. This variant introduces a premature termination codon in exon 15 out of 24 and is expected to result in loss of function, which is a known disease mechanism for MAN2B1 in this disorder (PMID: 36980980) (PVS1). This variant has been reported in at least one affected individual who carried a second variant in this gene; however, the phase of these variants could not be determined (PMID: 36980980). It is absent from control populations (PM2). Based on the current evidence, this variant is classified as likely pathogenic for autosomal recessive alpha-mannosidosis, types I and II.

Natera, Inc.
Classification: Likely pathogenic for Alpha-mannosidosis. Last evaluated: 2025-07-01. Review status: criteria provided, single submitter. Criteria: Natera Variant Classification Schema (03/2026). Collection method: clinical testing. Allele origin: germline.
Comment: The c.1928G>A variant in MAN2B1 is a nonsense variant predicted to introduce a stop codon at amino acid 643. This variant is expected to result in nonsense mediated decay, truncation, or a dysfunctional protein product. This variant is rare in the general population with a frequency below the threshold expected for the associated phenotype(s). Given the available evidence, this variant is classified as Likely Pathogenic.

GeneDx
Classification: Pathogenic. Last evaluated: 2025-03-04. Review status: criteria provided, single submitter. Criteria: GeneDx Variant Classification Process June 2021. Collection method: clinical testing. Allele origin: germline. Affected: yes.
Comment: Reported in a patient with MAN2B1-related alpha-mannosidosis who also harbors an additional pathogenic variant in this gene (PMID: 22161967); Nonsense variant predicted to result in protein truncation or nonsense mediated decay in a gene for which loss of function is a known mechanism of disease; Not observed at significant frequency in large population cohorts (gnomAD); This variant is associated with the following publications: (PMID: 36980980, 22161967)

Baylor Genetics
Classification: Likely pathogenic for Deficiency of alpha-mannosidase. Last evaluated: 2023-10-17. Review status: criteria provided, single submitter. Criteria: ACMG Guidelines, 2015. Collection method: clinical testing. Allele origin: unknown.

Genetics Laboratory, UDIAT-Centre Diagnòstic, Hospital Universitari Parc Tauli
Classification: Pathogenic for alpha-mannosidosis. Last evaluated: 2022-09-14. Review status: criteria provided, single submitter. Criteria: ACMG Guidelines, 2015. Collection method: clinical testing. Allele origin: unknown. Inheritance: Autosomal recessive inheritance. Affected: yes.
Comment: PVS1_very strong;PS4_supporting;PM2_supporting

Genome-Nilou Lab
Classification: Pathogenic for Deficiency of alpha-mannosidase. Last evaluated: 2021-09-05. Review status: criteria provided, single submitter. Criteria: ACMG Guidelines, 2015. Collection method: clinical testing. Allele origin: germline. Affected: no.

Literature cited by the submitters: PubMed 9915946 (cited by Labcorp Genetics (formerly Invitae), Labcorp); PubMed 22161967 (cited by Labcorp Genetics (formerly Invitae), Labcorp); PubMed 36980980 (cited by Variantyx, Inc.).

NM_000528.4(MAN2B1):c.1928G>A (p.Trp643Ter)

Gene: MAN2B1 (mannosidase alpha class 2B member 1; minus strand). Cytogenetic location: 19p13.13.
Variant type: single nucleotide variant.
Coding change: c.1928G>A on transcript NM_000528.4 (MANE Select); coding-DNA position 1928, G replaced by A.
Protein change: p.Trp643Ter; replaces tryptophan 643 with a stop codon.
Molecular consequence: nonsense.
Genome position (GRCh38, 1-based): chr19:12,652,363, C>T on the plus strand (G>A on the coding strand, the complement: MAN2B1 is on the minus strand). VCF-style: chr19-12652363-C-T. GRCh37 (hg19) VCF-style: chr19-12763177-C-T.
Other names: c.1925G>A, p.Trp642Ter (NM_001173498.2); short protein forms W643*, W642*.
Identifiers: ClinVar variation 658737 (VCV000658737.18), dbSNP rs1599344532, ClinGen allele CA404244415.